The following is an entry in ClinVar:

NM_001042492.3(NF1):c.4483dup (p.Ser1495fs)

Gene: NF1 (neurofibromin 1; plus strand). Cytogenetic location: 17q11.2.
Variant type: Duplication.
Coding change: c.4483dup on transcript NM_001042492.3 (MANE Select); coding-DNA position 4483, one base duplicated (A; older notation c.4483dupA).
Protein change: p.Ser1495fs; shifts the reading frame from serine 1495.
Molecular consequence: frameshift variant.
Genome position (GRCh38, 1-based): chr17:31,260,421, A duplicated. VCF-style (leftmost placement, unchanged base first): chr17-31260420-T-TA. GRCh37 (hg19) VCF-style: chr17-29587438-T-TA.
Other names: c.4420dupA (NM_000267.3); c.4420dup, p.Ser1474Lysfs (NM_000267.4); short protein forms S1495fs, S1474fs.
Identifiers: ClinVar variation 237568 (VCV000237568.5), dbSNP rs878853896, ClinGen allele CA10583505.
Genomic context (GRCh38, chr17:31,260,420, plus strand): 5'-TTTTTGAAGGTTTTTCCTTGATATAGCATCTGATTGTCCTACAAGTGATGCAGTAAATCA[T>TA]AGTCTTTCCTTCATAAGTGACGGCAATGTGCTTGCTTTACATCGTCTACTCTGGAACAAT-3'

ClinVar aggregate classification (germline): Pathogenic (1 of 4 stars; one submission).

Conditions:
Neurofibromatosis, type 1 (NF1). Also called: VON RECKLINGHAUSEN DISEASE; NEUROFIBROMATOSIS, TYPE I, SOMATIC; Peripheral type neurofibromatosis; Neurofibromatosis, type I. Identifiers: Orphanet 636, MedGen C0027831, MONDO:0018975, OMIM 162200. Disease mechanism: loss of function.

Submission:

Labcorp Genetics (formerly Invitae), Labcorp
Classification: Pathogenic for Neurofibromatosis, type 1. Last evaluated: 2016-03-13. Review status: criteria provided, single submitter. Criteria: Invitae Variant Classification Sherloc (09022015). Collection method: clinical testing. Allele origin: germline.
Comment: For these reasons, this variant has been classified as Pathogenic. While this particular variant has not been reported in the literature, truncating variants in NF1 are known to be pathogenic (PMID: 10712197, 23913538). This sequence change inserts 1 nucleotide in exon 33 of the NF1 mRNA (c.4420dupA), causing a frameshift at codon 1474. This creates a premature translational stop signal (p.Ser1474Lysfs*7) and is expected to result in an absent or disrupted protein product.

Literature cited by the submitters: PubMed 10712197; PubMed 23913538.